The following is an entry in ClinVar:

NM_213655.5(WNK1):c.3227G>A (p.Arg1076Gln)

Gene: WNK1 (WNK lysine deficient protein kinase 1; plus strand). Cytogenetic location: 12p13.33.
Variant type: single nucleotide variant.
Coding change: c.3227G>A on transcript NM_213655.5 (MANE Plus Clinical); coding-DNA position 3227, G replaced by A.
Protein change: p.Arg1076Gln; replaces arginine 1076 with glutamine.
Molecular consequence: missense variant. On other transcripts: intron variant (2).
Genome position (GRCh38, 1-based): chr12:868,698, G>A. VCF-style: chr12-868698-G-A. GRCh37 (hg19) VCF-style: chr12-977864-G-A.
Other names: c.2972G>A, p.Arg991Gln (NM_001184985.2); c.2140-2567G>A (NM_018979.4, NM_014823.3); short protein forms R991Q, R1076Q.
Identifiers: ClinVar variation 2923581 (VCV002923581.3), dbSNP rs892798224, ClinGen allele CA231499600.

ClinVar aggregate classification (germline): Uncertain significance (1 of 4 stars; one submission).

Conditions:
Neuropathy, hereditary sensory and autonomic, type 2A (HSAN2A). Also called: HSAN IIA; WNK1-Related HSAN2 (HSAN2A); ACROOSTEOLYSIS, GIACCAI TYPE; ACROOSTEOLYSIS, NEUROGENIC; MORVAN DISEASE; NEUROPATHY, CONGENITAL SENSORY. Identifiers: Orphanet 970, MedGen C2752089, MONDO:0024309, OMIM 201300.
Pseudohypoaldosteronism type 2C (PHA2C). Also called: Pseudohypoaldosteronism Type IIC. Identifiers: Orphanet 757, Orphanet 88940, MedGen C1840391, MONDO:0013778, OMIM 614492.

Allele frequency attached by ClinVar (database versions not stated): gnomAD 0.00001.
gnomAD v4.1: 15 of 1,613,750 alleles (0.00093%); highest among the groups gnomAD compares: South Asian, 0.0033%; no homozygotes.

Submission:

Labcorp Genetics (formerly Invitae), Labcorp
Classification: Uncertain significance for Neuropathy, hereditary sensory and autonomic, type 2A; Pseudohypoaldosteronism type 2C. Last evaluated: 2024-10-02. Review status: criteria provided, single submitter. Criteria: Invitae Variant Classification Sherloc (09022015). Collection method: clinical testing. Allele origin: germline.
Comment: This sequence change replaces arginine, which is basic and polar, with glutamine, which is neutral and polar, at codon 1076 of the WNK1 protein (p.Arg1076Gln). This variant is present in population databases (no rsID available, gnomAD 0.003%). This variant has not been reported in the literature in individuals affected with WNK1-related conditions. Invitae Evidence Modeling of protein sequence and biophysical properties (such as structural, functional, and spatial information, amino acid conservation, physicochemical variation, residue mobility, and thermodynamic stability) indicates that this missense variant is not expected to disrupt WNK1 protein function with a negative predictive value of 95%. In summary, the available evidence is currently insufficient to determine the role of this variant in disease. Therefore, it has been classified as a Variant of Uncertain Significance.